The following is an entry in ClinVar:

ClinVar aggregate classification (germline): Uncertain significance (1 of 4 stars; one submission).

Conditions:
Autoimmune lymphoproliferative syndrome type 2B. Also called: AUTOIMMUNE LYMPHOPROLIFERATIVE SYNDROME, TYPE IIB. Identifiers: Orphanet 275517, MedGen C1846545, MONDO:0011804, OMIM 607271.

gnomAD v4.1: 1 of 1,593,748 alleles (0.000063%); highest among the groups gnomAD compares: Non-Finnish European, 0.000086%; no homozygotes.

Submission:

Labcorp Genetics (formerly Invitae), Labcorp
Classification: Uncertain significance for Autoimmune lymphoproliferative syndrome type 2B. Last evaluated: 2025-02-06. Review status: criteria provided, single submitter. Criteria: Invitae Variant Classification Sherloc (09022015). Collection method: clinical testing. Allele origin: germline.
Comment: This sequence change replaces cysteine, which is neutral and slightly polar, with tyrosine, which is neutral and polar, at codon 163 of the CASP8 protein (p.Cys163Tyr). This variant is present in population databases (rs749950811, gnomAD 0.0009%). This variant has not been reported in the literature in individuals affected with CASP8-related conditions. Invitae Evidence Modeling of protein sequence and biophysical properties (such as structural, functional, and spatial information, amino acid conservation, physicochemical variation, residue mobility, and thermodynamic stability) indicates that this missense variant is not expected to disrupt CASP8 protein function with a negative predictive value of 80%. In summary, the available evidence is currently insufficient to determine the role of this variant in disease. Therefore, it has been classified as a Variant of Uncertain Significance.

NM_001372051.1(CASP8):c.392G>A (p.Cys131Tyr)

Gene: CASP8 (caspase 8; plus strand). Cytogenetic location: 2q33.1.
Variant type: single nucleotide variant.
Coding change: c.392G>A on transcript NM_001372051.1 (MANE Select); coding-DNA position 392, G replaced by A.
Protein change: p.Cys131Tyr; replaces cysteine 131 with tyrosine.
Molecular consequence: missense variant. On other transcripts: 5 prime UTR variant (11), non-coding transcript variant (19).
Genome position (GRCh38, 1-based): chr2:201,271,602, G>A. VCF-style: chr2-201271602-G-A. GRCh37 (hg19) VCF-style: chr2-202136325-G-A.
Other names: c.392G>A, p.Cys131Tyr (NM_001080124.2, NM_001400645.1, NM_001400648.1 and 20 more transcripts); c.569G>A, p.Cys190Tyr (NM_001080125.2, NM_001400642.1, NM_001400665.1); c.488G>A, p.Cys163Tyr (NM_001228.5); c.83G>A, p.Cys28Tyr (NM_001400669.1); c.-141G>A (NM_001400671.1, NM_001400672.1, NM_001400673.1 and 6 more transcripts); c.-322G>A (NM_001400674.1); c.-220G>A (NM_001400680.1); short protein forms C131Y, C28Y, C163Y, C190Y.
Identifiers: ClinVar variation 3687266 (VCV003687266.2).